The following is an entry in ClinVar:

ClinVar aggregate classification (germline): Conflicting classifications of pathogenicity. Review status: criteria provided, conflicting classifications (1 of 4 stars). 2 submissions from 2 submitters: Uncertain significance (1); Likely benign (1). Last evaluated 2025-11-21.

Conditions:
Familial thoracic aortic aneurysm and aortic dissection (TAAD). Also called: Thoracic aortic aneurysms and dissections. Identifiers: Orphanet 91387, MedGen C4707243, MONDO:0019625.
Marfan syndrome (MFS). Also called: MARFAN SYNDROME, TYPE I; Marfan syndrome type 1; Marfan's syndrome; Marfan syndrome, classic; FBN1-Related Marfan Syndrome. Identifiers: Orphanet 284963, Orphanet 558, MedGen C0024796, MONDO:0007947, OMIM 154700.

Allele frequency attached by ClinVar (database versions not stated): ExAC 0.00001; gnomAD exomes 0.00001.
gnomAD v4.1: 3 of 1,614,178 alleles (0.00019%); highest among the groups gnomAD compares: Admixed American, 0.0017%; no homozygotes.

Submissions (2):

Labcorp Genetics (formerly Invitae), Labcorp
Classification: Likely benign for Marfan syndrome; Familial thoracic aortic aneurysm and aortic dissection. Last evaluated: 2025-11-21. Review status: criteria provided, single submitter. Criteria: Invitae Variant Classification Sherloc (09022015). Collection method: clinical testing. Allele origin: germline.

All of Us Research Program, National Institutes of Health
Classification: Uncertain significance for Marfan syndrome. Last evaluated: 2023-10-06. Review status: criteria provided, single submitter. Criteria: ACMG Guidelines, 2015. Collection method: clinical testing. Allele origin: germline. Inheritance: Autosomal dominant inheritance. Observed: 2 variant alleles, 2 heterozygotes.
Comment: This missense variant replaces histidine with arginine at codon 2392 of the FBN1 protein. Computational prediction suggests that this variant may not impact protein structure and function (internally defined REVEL score threshold <= 0.5, PMID: 27666373). To our knowledge, functional studies have not been reported for this variant. This variant has not been reported in individuals affected with FBN1-related disorders in the literature. This variant has been identified in 1/251060 chromosomes in the general population by the Genome Aggregation Database (gnomAD). The available evidence is insufficient to determine the role of this variant in disease conclusively. Therefore, this variant is classified as a Variant of Uncertain Significance.

This study involves interpretation of variants in research participants for the purpose of population health screening. Participant phenotype was not available at the time of variant classification. Additional details can be found in publication PMID: 35346344, PMCID: PMC8962531

NM_000138.5(FBN1):c.7175A>G (p.His2392Arg)

Gene: FBN1 (fibrillin 1; minus strand). Cytogenetic location: 15q21.1.
Variant type: single nucleotide variant.
Coding change: c.7175A>G on transcript NM_000138.5 (MANE Select); coding-DNA position 7175, A replaced by G.
Protein change: p.His2392Arg; replaces histidine 2392 with arginine.
Molecular consequence: missense variant.
Genome position (GRCh38, 1-based): chr15:48,427,596, T>C on the plus strand (A>G on the coding strand, the complement: FBN1 is on the minus strand). VCF-style: chr15-48427596-T-C. GRCh37 (hg19) VCF-style: chr15-48719793-T-C.
Other names: c.7175A>G, p.His2392Arg (NM_001406716.1); short protein forms H2392R.
Identifiers: ClinVar variation 2079046 (VCV002079046.5), dbSNP rs767941347, ClinGen allele CA057979.